The following is an entry in ClinVar:

NM_001282144.2(NLRX1):c.70+243G>C

Gene: NLRX1 (NLR family member X1; plus strand). Cytogenetic location: 11q23.3.
Variant type: single nucleotide variant.
Coding change: c.70+243G>C on transcript NM_001282144.2 (MANE Select); 243 bases into the intron after coding-DNA position 70, G replaced by C.
Molecular consequence: intron variant.
Genome position (GRCh38, 1-based): chr11:119,171,716, G>C. VCF-style: chr11-119171716-G-C. GRCh37 (hg19) VCF-style: chr11-119042425-G-C.
Other names: c.70+243G>C (NM_001282358.2, NM_024618.4, NM_001282143.2).
Identifiers: ClinVar variation 103146 (VCV000103146.2), dbSNP rs199476034, ClinGen allele CA230185.
Genomic context (GRCh38, chr11:119,171,716, plus strand): 5'-AAGGGAGTTGGACTTGGCCAGGTGCGGTGGCTCATGCCTGTAATCCTAGCACTTTGGAAG[G>C]CCGAGGCAGGCGGATCACAAGATCAGGAGTTTGAGACCAGCCTGGCAACATGGTGAAACC-3'

ClinVar aggregate classification (germline): not provided (0 of 4 stars; one submission).

Allele frequency attached by ClinVar (database versions not stated): 1000 Genomes Project 0.00060; 1000 Genomes Project 30x 0.00078; gnomAD 0.00108 and 0.00117; TOPMed 0.00108.

Submission:

Human Evolutionary Genetics, Institut Pasteur
No classification provided. Review status: no classification provided. Collection method: not provided. Allele origin: germline.
ClinVar note: Converted during submission from untested to not provided.